The following is an entry in ClinVar:

ClinVar aggregate classification (germline): Uncertain significance (1 of 4 stars; one submission).

Conditions:
Ornithine aminotransferase deficiency (GACR). Also called: HYPERORNITHINEMIA WITH GYRATE ATROPHY OF CHOROID AND RETINA; OAT DEFICIENCY; OKT DEFICIENCY; Ornithine ketoacid aminotransferase deficiency; Gyrate atrophy; Gyrate atrophy of choroid and retina. Identifiers: Orphanet 414, MedGen C0018425, MONDO:0009796, OMIM 258870.

Submission:

Labcorp Genetics (formerly Invitae), Labcorp
Classification: Uncertain significance for Ornithine aminotransferase deficiency. Last evaluated: 2022-02-02. Review status: criteria provided, single submitter. Criteria: Invitae Variant Classification Sherloc (09022015). Collection method: clinical testing. Allele origin: germline.
Comment: In summary, the available evidence is currently insufficient to determine the role of this variant in disease. Therefore, it has been classified as a Variant of Uncertain Significance. Algorithms developed to predict the effect of missense changes on protein structure and function (SIFT, PolyPhen-2, Align-GVGD) all suggest that this variant is likely to be tolerated. This variant has not been reported in the literature in individuals affected with OAT-related conditions. This variant is not present in population databases (gnomAD no frequency). This sequence change replaces serine, which is neutral and polar, with threonine, which is neutral and polar, at codon 438 of the OAT protein (p.Ser438Thr).

NM_000274.4(OAT):c.1312T>A (p.Ser438Thr)

Gene: OAT (ornithine aminotransferase; minus strand). Cytogenetic location: 10q26.13.
Variant type: single nucleotide variant.
Coding change: c.1312T>A on transcript NM_000274.4 (MANE Select); coding-DNA position 1312, T replaced by A.
Protein change: p.Ser438Thr; replaces serine 438 with threonine.
Molecular consequence: missense variant.
Genome position (GRCh38, 1-based): chr10:124,397,950, A>T on the plus strand (T>A on the coding strand, the complement: OAT is on the minus strand). VCF-style: chr10-124397950-A-T. GRCh37 (hg19) VCF-style: chr10-126086519-A-T.
Other names: c.898T>A, p.Ser300Thr (NM_001171814.2); c.1312T>A, p.Ser438Thr (NM_001322965.2, NM_001322966.2, NM_001322967.2 and 3 more transcripts); c.991T>A, p.Ser331Thr (NM_001322971.2); c.712T>A, p.Ser238Thr (NM_001322974.2); short protein forms S300T, S238T, S331T, S438T.
Identifiers: ClinVar variation 1897246 (VCV001897246.5), dbSNP rs2494426625, ClinGen allele CA378632971.